The following is an entry in ClinVar:

ClinVar aggregate classification (germline): Uncertain significance (1 of 4 stars; one submission).

Allele frequency attached by ClinVar (database versions not stated): gnomAD below 0.00001 and 0.00001; ExAC 0.00001; gnomAD exomes 0.00001 and 0.00002; 1000 Genomes Project 30x 0.00016; 1000 Genomes Project 0.00020.

Submission:

Labcorp Genetics (formerly Invitae), Labcorp
Classification: Uncertain significance. Last evaluated: 2022-07-12. Review status: criteria provided, single submitter. Criteria: Invitae Variant Classification Sherloc (09022015). Collection method: clinical testing. Allele origin: germline.
Comment: This sequence change replaces histidine, which is basic and polar, with tyrosine, which is neutral and polar, at codon 227 of the PDE6C protein (p.His227Tyr). This variant is present in population databases (rs564848309, gnomAD 0.02%). This variant has not been reported in the literature in individuals affected with PDE6C-related conditions. ClinVar contains an entry for this variant (Variation ID: 971857). Algorithms developed to predict the effect of missense changes on protein structure and function are either unavailable or do not agree on the potential impact of this missense change (SIFT: "Deleterious"; PolyPhen-2: "Benign"; Align-GVGD: "Class C15"). Algorithms developed to predict the effect of sequence changes on RNA splicing suggest that this variant may disrupt the consensus splice site. In summary, the available evidence is currently insufficient to determine the role of this variant in disease. Therefore, it has been classified as a Variant of Uncertain Significance.

NM_006204.4(PDE6C):c.679C>T (p.His227Tyr)

Gene: PDE6C (phosphodiesterase 6C; plus strand). Cytogenetic location: 10q23.33.
Variant type: single nucleotide variant.
Coding change: c.679C>T on transcript NM_006204.4 (MANE Select); coding-DNA position 679, C replaced by T.
Protein change: p.His227Tyr; replaces histidine 227 with tyrosine.
Molecular consequence: missense variant.
Genome position (GRCh38, 1-based): chr10:93,620,936, C>T. VCF-style: chr10-93620936-C-T. GRCh37 (hg19) VCF-style: chr10-95380693-C-T.
Other names: short protein forms H227Y.
Identifiers: ClinVar variation 971857 (VCV000971857.10), dbSNP rs564848309, ClinGen allele CA5609908.
Genomic context (GRCh38, chr10:93,620,936, plus strand): 5'-CTCTGCCGTCTGTAGGTCTTTTCCAAATACCTCAACTTTGTGTCTATCATCCTAAGGCTT[C>T]ATCACACCAGCTACATGTACAATATTGAATCCCGAAGAAGCCAGGTAAAAGGAAGGCAGC-3'
Protein context (NP_006195.3, residues 217-237): LNFVSIILRL[His227Tyr]HTSYMYNIES